The following is an entry in ClinVar:

ClinVar aggregate classification (germline): Benign/Likely benign. Review status: criteria provided, multiple submitters, no conflicts (2 of 4 stars). 4 submissions from 4 submitters: Benign (2); Likely benign (1). 1 of the submissions does not count toward it. Last evaluated 2026-01-12.

Conditions:
CBX2-related disorder. Also called: CBX2-related condition.

Allele frequency attached by ClinVar (database versions not stated): 1000 Genomes Project 30x 0.00219; 1000 Genomes Project 0.00220; gnomAD 0.00260 and 0.00277; ESP Exome Variant Server 0.00335; TOPMed 0.00340; gnomAD exomes 0.00387; ExAC 0.00800.
gnomAD v4.1: 5,578 of 1,571,694 alleles (0.35%); highest among the groups gnomAD compares: Middle Eastern, 1.6%; 18 homozygotes.

Submissions (4):

Labcorp Genetics (formerly Invitae), Labcorp
Classification: Benign. Last evaluated: 2026-01-12. Review status: criteria provided, single submitter. Criteria: Invitae Variant Classification Sherloc (09022015). Collection method: clinical testing. Allele origin: germline.

CeGaT Center for Human Genetics Tuebingen
Classification: Likely benign. Last evaluated: 2022-10-01. Review status: criteria provided, single submitter. Criteria: CeGaT Center For Human Genetics Tuebingen Variant Classification Criteria Version 2. Collection method: clinical testing. Allele origin: germline. Affected: yes. Observed: 1 variant allele.
Comment: CBX2: BP4, BP7

Breakthrough Genomics
Classification: Benign. Review status: criteria provided, single submitter. Criteria: ACMG Guidelines, 2015. Collection method: not provided. Allele origin: germline. Inheritance: Autosomal recessive inheritance. Affected: yes.

PreventionGenetics, part of Exact Sciences
Classification: Benign for CBX2-related condition. Last evaluated: 2019-07-16. Review status: no assertion criteria provided. Collection method: clinical testing. Allele origin: germline. Not counted in ClinVar's aggregate classification.
Comment: This variant is classified as benign based on ACMG/AMP sequence variant interpretation guidelines (Richards et al. 2015 PMID: 25741868, with internal and published modifications).

NM_005189.3(CBX2):c.342G>A (p.Thr114=)

Gene: CBX2 (chromobox 2; plus strand). Cytogenetic location: 17q25.3.
Variant type: single nucleotide variant.
Coding change: c.342G>A on transcript NM_005189.3 (MANE Select); coding-DNA position 342, G replaced by A.
Protein change: p.Thr114=; no amino-acid change (threonine 114 retained).
Molecular consequence: synonymous variant.
Genome position (GRCh38, 1-based): chr17:79,783,785, G>A. VCF-style: chr17-79783785-G-A. GRCh37 (hg19) VCF-style: chr17-77757584-G-A.
Identifiers: ClinVar variation 708978 (VCV000708978.34), dbSNP rs139048340, ClinGen allele CA8811219.